The following is an entry in ClinVar:

ClinVar aggregate classification (germline): Uncertain significance (1 of 4 stars; one submission).

Allele frequency attached by ClinVar (database versions not stated): gnomAD 0.00001; gnomAD exomes 0.00005; ExAC 0.00009; 1000 Genomes Project 30x 0.00016; 1000 Genomes Project 0.00020.
gnomAD v4.1: 69 of 1,614,232 alleles (0.0043%); highest among the groups gnomAD compares: South Asian, 0.075%; 1 homozygote.

Submission:

Labcorp Genetics (formerly Invitae), Labcorp
Classification: Uncertain significance. Last evaluated: 2024-07-16. Review status: criteria provided, single submitter. Criteria: Invitae Variant Classification Sherloc (09022015). Collection method: clinical testing. Allele origin: germline.
Comment: This sequence change replaces valine, which is neutral and non-polar, with glutamic acid, which is acidic and polar, at codon 223 of the TNFRSF11A protein (p.Val223Glu). This variant is present in population databases (rs568097303, gnomAD 0.06%), including at least one homozygous and/or hemizygous individual. This variant has not been reported in the literature in individuals affected with TNFRSF11A-related conditions. Advanced modeling of protein sequence and biophysical properties (such as structural, functional, and spatial information, amino acid conservation, physicochemical variation, residue mobility, and thermodynamic stability) has been performed at Invitae for this missense variant, however the output from this modeling did not meet the statistical confidence thresholds required to predict the impact of this variant on TNFRSF11A protein function. In summary, the available evidence is currently insufficient to determine the role of this variant in disease. Therefore, it has been classified as a Variant of Uncertain Significance.

NM_003839.4(TNFRSF11A):c.668T>A (p.Val223Glu)

Gene: TNFRSF11A (TNF receptor superfamily member 11a; plus strand). Cytogenetic location: 18q21.33.
Variant type: single nucleotide variant.
Coding change: c.668T>A on transcript NM_003839.4 (MANE Select); coding-DNA position 668, T replaced by A.
Protein change: p.Val223Glu; replaces valine 223 with glutamic acid.
Molecular consequence: missense variant. On other transcripts: intron variant (1).
Genome position (GRCh38, 1-based): chr18:62,361,731, T>A. VCF-style: chr18-62361731-T-A. GRCh37 (hg19) VCF-style: chr18-60028964-T-A.
Other names: c.668T>A, p.Val223Glu (NM_001270949.2, NM_001270950.2); c.626T>A, p.Val209Glu (NM_001278268.2); c.616+1682T>A (NM_001270951.2); short protein forms V223E, V209E.
Identifiers: ClinVar variation 2979805 (VCV002979805.3), dbSNP rs568097303, ClinGen allele CA8983831.
Genomic context (GRCh38, chr18:62,361,731, plus strand): 5'-CCAATACAGAACCCCATGTTTACTTGCCCGGTTTAATAATTCTGCTTCTCTTCGCGTCTG[T>A]GGCCCTGGTGGCTGCCATCATCTTTGGCGTTTGCTATAGGAAAAAAGGGAAAGCACTCAC-3'
Protein context (NP_003830.1, residues 213-233): GLIILLLFAS[Val223Glu]ALVAAIIFGV